The following is an entry in ClinVar:

ClinVar aggregate classification (germline): Uncertain significance. Review status: criteria provided, multiple submitters, no conflicts (2 of 4 stars). 2 submissions from 2 submitters: Uncertain significance (2). Last evaluated 2024-10-23.

Conditions:
Autosomal recessive limb-girdle muscular dystrophy type 2D (LGMDR3). Also called: DUCHENNE-LIKE AUTOSOMAL RECESSIVE MUSCULAR DYSTROPHY, TYPE 2; ADHALINOPATHY, PRIMARY; MUSCULAR DYSTROPHY, LIMB-GIRDLE, AUTOSOMAL RECESSIVE 3. Identifiers: Orphanet 62, MedGen C2936332, MONDO:0011968, OMIM 608099. Disease mechanism: Affects gamma-sarcoglycan and also disrupts the integrity of the entire sarcoglycan complex..

Allele frequency attached by ClinVar (database versions not stated): gnomAD 0.00001; gnomAD exomes 0.00001; ExAC 0.00002; TOPMed 0.00002; ESP Exome Variant Server 0.00008.
gnomAD v4.1: 11 of 1,614,058 alleles (0.00068%); highest among the groups gnomAD compares: Middle Eastern, 0.033%; no homozygotes.

Submissions (2):

Blueprint Genetics
Classification: Uncertain significance. Last evaluated: 2024-10-23. Review status: criteria provided, single submitter. Criteria: ACMG Guidelines, 2015. Collection method: clinical testing. Allele origin: germline.

Labcorp Genetics (formerly Invitae), Labcorp
Classification: Uncertain significance for Autosomal recessive limb-girdle muscular dystrophy type 2D. Last evaluated: 2022-10-13. Review status: criteria provided, single submitter. Criteria: Invitae Variant Classification Sherloc (09022015). Collection method: clinical testing. Allele origin: germline.
Comment: This sequence change replaces valine, which is neutral and non-polar, with isoleucine, which is neutral and non-polar, at codon 35 of the SGCA protein (p.Val35Ile). This variant is present in population databases (rs140629621, gnomAD 0.0009%). This variant has not been reported in the literature in individuals affected with SGCA-related conditions. Advanced modeling of protein sequence and biophysical properties (such as structural, functional, and spatial information, amino acid conservation, physicochemical variation, residue mobility, and thermodynamic stability) performed at Invitae indicates that this missense variant is not expected to disrupt SGCA protein function. In summary, the available evidence is currently insufficient to determine the role of this variant in disease. Therefore, it has been classified as a Variant of Uncertain Significance.

NM_000023.4(SGCA):c.103G>A (p.Val35Ile)

Gene: SGCA (sarcoglycan alpha; plus strand). Cytogenetic location: 17q21.33.
Variant type: single nucleotide variant.
Coding change: c.103G>A on transcript NM_000023.4 (MANE Select); coding-DNA position 103, G replaced by A.
Protein change: p.Val35Ile; replaces valine 35 with isoleucine.
Molecular consequence: missense variant. On other transcripts: non-coding transcript variant (1).
Genome position (GRCh38, 1-based): chr17:50,167,433, G>A. VCF-style: chr17-50167433-G-A. GRCh37 (hg19) VCF-style: chr17-48244794-G-A.
Other names: c.103G>A, p.Val35Ile (NM_001135697.3); short protein forms V35I.
Identifiers: ClinVar variation 2055288 (VCV002055288.2), dbSNP rs140629621, ClinGen allele CA8643694.